The following is an entry in ClinVar:

NM_001999.4(FBN2):c.8428T>A (p.Ser2810Thr)

Gene: FBN2 (fibrillin 2; minus strand). Cytogenetic location: 5q23.3.
Variant type: single nucleotide variant.
Coding change: c.8428T>A on transcript NM_001999.4 (MANE Select); coding-DNA position 8428, T replaced by A.
Protein change: p.Ser2810Thr; replaces serine 2810 with threonine.
Molecular consequence: missense variant.
Genome position (GRCh38, 1-based): chr5:128,259,766, A>T on the plus strand (T>A on the coding strand, the complement: FBN2 is on the minus strand). VCF-style: chr5-128259766-A-T. GRCh37 (hg19) VCF-style: chr5-127595458-A-T.
Other names: short protein forms S2810T.
Identifiers: ClinVar variation 679472 (VCV000679472.11), dbSNP rs186577030, ClinGen allele CA3393808.

ClinVar aggregate classification (germline): Likely benign. Review status: criteria provided, multiple submitters, no conflicts (2 of 4 stars). 4 submissions from 4 submitters: Likely benign (4). Last evaluated 2024-12-05.

Conditions:
Congenital contractural arachnodactyly (CCA). Also called: BEALS SYNDROME; Beals-Hecht syndrome; Arthrogryposis, distal, type 9. Identifiers: Orphanet 115, MedGen C0220668, MONDO:0007363, OMIM 121050.
FBN2-related disorder. Also called: FBN2-related condition.
Familial thoracic aortic aneurysm and aortic dissection (TAAD). Also called: Thoracic aortic aneurysms and dissections. Identifiers: Orphanet 91387, MedGen C4707243, MONDO:0019625.

Allele frequency attached by ClinVar (database versions not stated): gnomAD exomes 0.00004 and 0.00010; ExAC 0.00012; 1000 Genomes Project 0.00020; 1000 Genomes Project 30x 0.00031; gnomAD 0.00033 and 0.00038; ESP Exome Variant Server 0.00038; TOPMed 0.00044.
gnomAD v4.1: 106 of 1,613,674 alleles (0.0066%); highest among the groups gnomAD compares: African/African-American, 0.13%; no homozygotes.

Submissions (4):

Labcorp Genetics (formerly Invitae), Labcorp
Classification: Likely benign for Congenital contractural arachnodactyly. Last evaluated: 2024-12-05. Review status: criteria provided, single submitter. Criteria: Invitae Variant Classification Sherloc (09022015). Collection method: clinical testing. Allele origin: germline.

PreventionGenetics, part of Exact Sciences
Classification: Likely benign for FBN2-related condition. Last evaluated: 2024-10-17. Review status: criteria provided, single submitter. Criteria: ACMG Guidelines, 2015. Collection method: clinical testing. Allele origin: germline.
Comment: This variant is classified as likely benign based on ACMG/AMP sequence variant interpretation guidelines (Richards et al. 2015 PMID: 25741868, with internal and published modifications).

Ambry Genetics
Classification: Likely benign for Familial thoracic aortic aneurysm and aortic dissection. Last evaluated: 2020-03-18. Review status: criteria provided, single submitter. Criteria: Ambry Variant Classification Scheme 2023. Collection method: clinical testing. Allele origin: germline.

GeneDx
Classification: Likely benign. Last evaluated: 2018-06-12. Review status: criteria provided, single submitter. Criteria: GeneDx Variant Classification (06012015). Collection method: clinical testing. Allele origin: germline. Affected: yes.
Comment: This variant is considered likely benign or benign based on one or more of the following criteria: it is a conservative change, it occurs at a poorly conserved position in the protein, it is predicted to be benign by multiple in silico algorithms, and/or has population frequency not consistent with disease.